The following is an entry in ClinVar:

ClinVar aggregate classification (germline): Uncertain significance. Review status: criteria provided, multiple submitters, no conflicts (2 of 4 stars). 2 submissions from 2 submitters: Uncertain significance (2). Last evaluated 2025-05-15.

Conditions:
Inborn genetic diseases. Identifiers: MedGen C0950123, MeSH D030342.
PCNT-related disorder. Also called: PCNT-related condition.

gnomAD v4.1: 7 of 1,605,498 alleles (0.00044%); highest among the groups gnomAD compares: African/African-American, 0.0093%; no homozygotes.

Submissions (2):

PreventionGenetics, part of Exact Sciences
Classification: Uncertain significance for PCNT-related condition. Last evaluated: 2025-05-15. Review status: criteria provided, single submitter. Criteria: ACMG Guidelines, 2015. Collection method: clinical testing. Allele origin: germline.
Comment: The PCNT c.5921C>T variant is predicted to result in the amino acid substitution p.Ala1974Val. To our knowledge, this variant has not been reported in the literature or in a large population database (gnomAD), indicating this variant is rare. At this time, the clinical significance of this variant is uncertain due to the absence of conclusive functional and genetic evidence.

Ambry Genetics
Classification: Uncertain significance for Inborn genetic diseases. Last evaluated: 2025-01-21. Review status: criteria provided, single submitter. Criteria: Ambry Variant Classification Scheme 2023. Collection method: clinical testing. Allele origin: germline.

NM_006031.6(PCNT):c.5921C>T (p.Ala1974Val)

Gene: PCNT (pericentrin; plus strand). Cytogenetic location: 21q22.3.
Variant type: single nucleotide variant.
Coding change: c.5921C>T on transcript NM_006031.6 (MANE Select); coding-DNA position 5921, C replaced by T.
Protein change: p.Ala1974Val; replaces alanine 1974 with valine.
Molecular consequence: missense variant.
Genome position (GRCh38, 1-based): chr21:46,411,994, C>T. VCF-style: chr21-46411994-C-T. GRCh37 (hg19) VCF-style: chr21-47831908-C-T.
Other names: c.5567C>T, p.Ala1856Val (NM_001315529.2); short protein forms A1974V, A1856V.
Identifiers: ClinVar variation 3886982 (VCV003886982.2).